The following is an entry in ClinVar:

NM_001384474.1(LOXHD1):c.6030_6031del (p.Cys2010_Asp2011delinsTer)

Gene: LOXHD1 (lipoxygenase homology PLAT domains 1; minus strand). Cytogenetic location: 18q21.1.
Variant type: Microsatellite.
Coding change: c.6030_6031del on transcript NM_001384474.1 (MANE Select); coding-DNA positions 6030 to 6031, 2 bases deleted (TG; older notation c.6030_6031delTG).
Protein change: p.Cys2010_Asp2011delinsTer.
Molecular consequence: nonsense.
Genome position (GRCh38, 1-based): chr18:46,488,990-46,488,991, CA deleted on the plus strand (TG on the coding strand, the reverse complement: LOXHD1 is on the minus strand); deleting any 2 consecutive bases within chr18:46,488,990-46,488,993 gives the same sequence; the c. name uses the placement nearest the transcript's 3' end. VCF-style (leftmost placement, unchanged base first): chr18-46488989-TCA-T. GRCh37 (hg19) VCF-style: chr18-44068952-TCA-T.
Other names: c.2697_2698del, p.Cys899_Asp900delinsTer (NM_001145472.3); c.747_748del, p.Cys249_Asp250delinsTer (NM_001145473.3, NM_001173129.2); c.2409_2410del, p.Cys803_Asp804delinsTer (NM_001308013.2); c.5844_5845del, p.Cys1948_Asp1949delinsTer (NM_144612.7).
Identifiers: ClinVar variation 4816844 (VCV004816844.1).

ClinVar aggregate classification (germline): Likely pathogenic (1 of 4 stars; one submission).

Conditions:
Autosomal recessive nonsyndromic hearing loss 77. Identifiers: Orphanet 90636, MedGen C2746083, MONDO:0013119, OMIM 613079.

Submission:

Natera, Inc.
Classification: Likely pathogenic for Autosomal recessive deafness type 77. Last evaluated: 2025-11-25. Review status: criteria provided, single submitter. Criteria: Natera Variant Classification Schema (03/2026). Collection method: clinical testing. Allele origin: germline.
Comment: The c.5844_5845del variant in LOXHD1 is a frameshift variant predicted to shift the reading frame and introduce a stop codon. This variant is expected to result in nonsense mediated decay, truncation, or a dysfunctional protein product. This variant is rare in the general population with a frequency below the threshold expected for the associated phenotype(s). Given the available evidence, this variant is classified as Likely Pathogenic.